The following is an entry in ClinVar:

NM_001184880.2(PCDH19):c.577G>T (p.Glu193Ter)

Gene: PCDH19 (protocadherin 19; minus strand). Cytogenetic location: Xq22.1.
Variant type: single nucleotide variant.
Coding change: c.577G>T on transcript NM_001184880.2 (MANE Select); coding-DNA position 577, G replaced by T.
Protein change: p.Glu193Ter; replaces glutamic acid 193 with a stop codon.
Molecular consequence: nonsense.
Genome position (GRCh38, 1-based): chrX:100,408,021, C>A on the plus strand (G>T on the coding strand, the complement: PCDH19 is on the minus strand). VCF-style: chrX-100408021-C-A. GRCh37 (hg19) VCF-style: chrX-99663019-C-A.
Other names: c.577G>T, p.Glu193Ter (NM_001105243.2, NM_020766.3); short protein forms E193*.
Identifiers: ClinVar variation 1076844 (VCV001076844.2), dbSNP rs2147541401, ClinGen allele CA414009230.

ClinVar aggregate classification (germline): Pathogenic (1 of 4 stars; one submission).

Conditions:
Developmental and epileptic encephalopathy, 9 (DEE9). Also called: PCDH19-Related X-Linked Female-Limited Epilepsy with Mental Retardation; EPILEPSY, FEMALE-RESTRICTED, WITH MENTAL RETARDATION; JUBERG-HELLMAN SYNDROME; Early infantile epileptic encephalopathy 9. Identifiers: Orphanet 101039, Orphanet 2076, MedGen C1848137, MONDO:0010246, OMIM 300088. Disease mechanism: loss of function.

Submission:

Labcorp Genetics (formerly Invitae), Labcorp
Classification: Pathogenic for Developmental and epileptic encephalopathy, 9. Last evaluated: 2020-03-20. Review status: criteria provided, single submitter. Criteria: Invitae Variant Classification Sherloc (09022015). Collection method: clinical testing. Allele origin: germline.
Comment: This sequence change creates a premature translational stop signal (p.Glu193*) in the PCDH19 gene. It is expected to result in an absent or disrupted protein product. This variant is not present in population databases (ExAC no frequency). This variant has not been reported in the literature in individuals with PCDH19-related conditions. Loss-of-function variants in PCDH19 are known to be pathogenic (PMID: 21053371). For these reasons, this variant has been classified as Pathogenic.

Literature cited by the submitters: PubMed 21053371.